The following is an entry in ClinVar:

ClinVar aggregate classification (germline): Pathogenic (1 of 4 stars; one submission).

Conditions:
Neurofibromatosis, type 1 (NF1). Also called: NEUROFIBROMATOSIS, TYPE I, SOMATIC; Peripheral type neurofibromatosis; Neurofibromatosis, type I; VON RECKLINGHAUSEN DISEASE. Identifiers: Orphanet 636, MedGen C0027831, MONDO:0018975, OMIM 162200. Disease mechanism: loss of function.

Submission:

St. Jude Molecular Pathology, St. Jude Children's Research Hospital
Classification: Pathogenic for Neurofibromatosis, type 1. Last evaluated: 2026-10-01. Review status: criteria provided, single submitter. Criteria: St. Jude Assertion Criteria 2020. Collection method: clinical testing. Allele origin: germline.
Comment: The NF1 c.3534dup p.(Phe1179IlefsTer16) change duplicates one nucleotide to cause a frameshift and the creation of a premature stop codon. This change is predicted to cause protein truncation or absenc e of protein due to nonsense-mediated decay. This variant is also absent in gnomAD v2.1.1. In summary, this variant meets criteria to be classified as pathogenic.Ã¢ € ¯

NM_001042492.3(NF1):c.3534dup (p.Phe1179fs)

Gene: NF1 (neurofibromin 1; plus strand). Cytogenetic location: 17q11.2.
Variant type: Duplication.
Coding change: c.3534dup on transcript NM_001042492.3 (MANE Select); coding-DNA position 3534, one base duplicated (A; older notation c.3534dupA).
Protein change: p.Phe1179fs; shifts the reading frame from phenylalanine 1179.
Molecular consequence: frameshift variant.
Genome position (GRCh38, 1-based): chr17:31,233,039, A duplicated. VCF-style (leftmost placement, unchanged base first): chr17-31233038-C-CA. GRCh37 (hg19) VCF-style: chr17-29560056-C-CA.
Other names: c.3534dup, p.Phe1179fs (NM_000267.4); short protein forms F1179fs.
Identifiers: ClinVar variation 5038382 (VCV005038382.1).